The following is an entry in ClinVar:

ClinVar aggregate classification (germline): Uncertain significance (3 of 4 stars; one submission).

Conditions:
Monogenic diabetes. Identifiers: Orphanet 183625, MedGen C3888631, MONDO:0015967.

Submission:

ClinGen Monogenic Diabetes Variant Curation Expert Panel
Classification: Uncertain significance for Monogenic diabetes. Last evaluated: 2025-10-03. Review status: reviewed by expert panel. Criteria: ClinGen Diabetes ACMG Specifications HNF1A V3.0.0. Collection method: curation. Allele origin: germline. Inheritance: Autosomal dominant inheritance.
Comment: The c.1803dup variant in the HNF1 homeobox A gene, HNF1A, causes a frameshift in the protein at codon 602 (NM_000545.8), adding 47 novel amino acids before encountering a stop codon (p.(Asp602ArgfsTer47)). While this variant, located at c.1803 in exon 10 of 10, is not predicted to result in nonsense mediated decay of the transcript, it will significantly disrupt the transactivation domain, which is defined as critical for protein function by the ClinGen MDEP (PVS1_Strong). This variant is absent from gnomAD v4.1.0 (PM2_Supporting). This variant was identified in an individual with diabetes; however, the MODY probability is unable to be calculated due to lack of information about when insulin treatment was initiated, and HNF4A was not tested (internal lab contributors). Therefore, PP4 cannot be applied. In summary, c.1803dup meets the criteria to be classified as a variant of uncertain significance for monogenic diabetes. ACMG/AMP criteria applied, as specified by the ClinGen MDEP (specification version 3.0.0, approved 6/30/2025): PVS1_Strong, PM2_Supporting.

NM_000545.8(HNF1A):c.1803dup (p.Asp602fs)

Genes: C12orf43 (chromosome 12 open reading frame 43; minus strand), HNF1A (HNF1 homeobox A; plus strand). Cytogenetic location: 12q24.31.
Variant type: Duplication.
Coding change: c.1803dup on transcript NM_000545.8 (MANE Select); coding-DNA position 1803, one base duplicated (A; older notation c.1803dupA).
Protein change: p.Asp602fs; shifts the reading frame from aspartic acid 602.
Molecular consequence: frameshift variant. On other transcripts: 3 prime UTR variant (3).
Genome position (GRCh38, 1-based): chr12:121,001,099, A duplicated. VCF-style (leftmost placement, unchanged base first): chr12-121001098-C-CA. GRCh37 (hg19) VCF-style: chr12-121438901-C-CA.
Other names: NM_022895.3:c.*3054dup; NM_000545.8(HNF1A):c.1803dup; p.Asp602fs; c.*3054dup (NM_001286191.2, NM_001286196.2, NM_022895.3); c.1824dup, p.Asp609fs (NM_001306179.2); c.1611dup, p.Asp538fs (NM_001406915.1); short protein forms D602fs, D609fs, D538fs.
Identifiers: ClinVar variation 1687083 (VCV001687083.4), dbSNP rs2135854526, ClinGen allele CA2573051044.